The following is an entry in ClinVar:

NM_001282531.3(ADNP):c.2056C>T (p.His686Tyr)

Gene: ADNP (activity dependent neuroprotector homeobox; minus strand). Cytogenetic location: 20q13.13.
Variant type: single nucleotide variant.
Coding change: c.2056C>T on transcript NM_001282531.3 (MANE Select); coding-DNA position 2056, C replaced by T.
Protein change: p.His686Tyr; replaces histidine 686 with tyrosine.
Molecular consequence: missense variant.
Genome position (GRCh38, 1-based): chr20:50,892,658, G>A on the plus strand (C>T on the coding strand, the complement: ADNP is on the minus strand). VCF-style: chr20-50892658-G-A. GRCh37 (hg19) VCF-style: chr20-49509195-G-A.
Other names: c.2056C>T, p.His686Tyr (NM_001282532.2, NM_001347511.2, NM_015339.5 and 1 more transcripts); short protein forms H686Y.
Identifiers: ClinVar variation 3089616 (VCV003089616.1), dbSNP rs2122747938, ClinGen allele CA408971326.

ClinVar aggregate classification (germline): Uncertain significance (1 of 4 stars; one submission).

Conditions:
Inborn genetic diseases. Identifiers: MedGen C0950123, MeSH D030342.

Allele frequency attached by ClinVar (database versions not stated): gnomAD exomes below 0.00001.

Submission:

Ambry Genetics
Classification: Uncertain significance for Inborn genetic diseases. Last evaluated: 2024-02-22. Review status: criteria provided, single submitter. Criteria: Ambry Variant Classification Scheme 2023. Collection method: clinical testing. Allele origin: germline.
Comment: The c.2056C>T (p.H686Y) alteration is located in exon 5 (coding exon 3) of the ADNP gene. This alteration results from a C to T substitution at nucleotide position 2056, causing the histidine (H) at amino acid position 686 to be replaced by a tyrosine (Y). This variant was not reported in population-based cohorts in the Genome Aggregation Database (gnomAD). This amino acid position is highly conserved in available vertebrate species. This alteration is predicted to be deleterious by in silico analysis. Based on insufficient or conflicting evidence, the clinical significance of this alteration remains unclear.